The following is an entry in ClinVar:

ClinVar aggregate classification (germline): Uncertain significance. Review status: criteria provided, multiple submitters, no conflicts (2 of 4 stars). 2 submissions from 2 submitters: Uncertain significance (2). Last evaluated 2024-02-14.

Allele frequency attached by ClinVar (database versions not stated): TOPMed below 0.00001; ExAC 0.00001; gnomAD 0.00001.
gnomAD v4.1: 14 of 1,613,578 alleles (0.00087%); highest among the groups gnomAD compares: Non-Finnish European, 0.0012%; no homozygotes.

Submissions (2):

Blueprint Genetics
Classification: Uncertain significance. Last evaluated: 2024-02-14. Review status: criteria provided, single submitter. Criteria: ACMG Guidelines, 2015. Collection method: clinical testing. Allele origin: germline.

GeneDx
Classification: Uncertain significance. Last evaluated: 2012-01-05. Review status: criteria provided, single submitter. Criteria: GeneDx Variant Classification (06012015). Collection method: clinical testing. Allele origin: germline. Affected: yes.
Comment: This variant is denoted c.325 G>C at the cDNA level or p.Val109Leu (V109L) at the protein level. The V109L missense substitution has not been published as a mutation, nor has it been reported as a benign polymorphism to our knowledge. The V109L missense change is a conservative amino acid substitution with a neutral and non-polar residue (Val) being replaced by another residue with these same properties (Leu). The position at which this substitution occurs is highly conserved across species. However, there have been no disease-causing mutations reported after codon Glycine 60 in NRAS. The variant is found in NOONAN panel(s).

NM_002524.5(NRAS):c.325G>C (p.Val109Leu)

Gene: NRAS (NRAS proto-oncogene, GTPase; minus strand). Cytogenetic location: 1p13.2.
Variant type: single nucleotide variant.
Coding change: c.325G>C on transcript NM_002524.5 (MANE Select); coding-DNA position 325, G replaced by C.
Protein change: p.Val109Leu; replaces valine 109 with leucine.
Molecular consequence: missense variant.
Genome position (GRCh38, 1-based): chr1:114,709,694, C>G on the plus strand (G>C on the coding strand, the complement: NRAS is on the minus strand). VCF-style: chr1-114709694-C-G. GRCh37 (hg19) VCF-style: chr1-115252315-C-G.
Other names: p.V109L:GTA>CTA; c.325G>C (LRG_92t1); short protein forms V109L.
Identifiers: ClinVar variation 40474 (VCV000040474.3), dbSNP rs730880966, ClinGen allele CA297026.